The following is an entry in ClinVar:

NM_001365536.1(SCN9A):c.2344G>A (p.Val782Ile)

Genes: SCN1A-AS1 (SCN1A and SCN9A antisense RNA 1; plus strand), SCN9A (sodium voltage-gated channel alpha subunit 9; minus strand). Cytogenetic location: 2q24.3.
Variant type: single nucleotide variant.
Coding change: c.2344G>A on transcript NM_001365536.1 (MANE Select); coding-DNA position 2344, G replaced by A.
Protein change: p.Val782Ile; replaces valine 782 with isoleucine.
Molecular consequence: missense variant.
Genome position (GRCh38, 1-based): chr2:166,278,313, C>T on the plus strand (G>A on the coding strand, the complement: SCN9A is on the minus strand). VCF-style: chr2-166278313-C-T. GRCh37 (hg19) VCF-style: chr2-167134823-C-T.
Other names: c.2311G>A, p.Val771Ile (NM_002977.4); short protein forms V771I, V782I.
Identifiers: ClinVar variation 1789447 (VCV001789447.2), dbSNP rs2468010615, ClinGen allele CA349078544.

ClinVar aggregate classification (germline): Uncertain significance (1 of 4 stars; one submission).

Conditions:
Inborn genetic diseases. Identifiers: MedGen C0950123, MeSH D030342.

Allele frequency attached by ClinVar (database versions not stated): gnomAD exomes below 0.00001.
gnomAD v4.1: 1 of 1,580,860 alleles (0.000063%); highest among the groups gnomAD compares: Non-Finnish European, 0.000086%; no homozygotes.

Submission:

Ambry Genetics
Classification: Uncertain significance for Inborn genetic diseases. Last evaluated: 2019-10-25. Review status: criteria provided, single submitter. Criteria: Ambry Variant Classification Scheme 2023. Collection method: clinical testing. Allele origin: germline.
Comment: The p.V771I variant (also known as c.2311G>A) is located in coding exon 14 of the SCN9A gene. The valine at codon 771 is replaced by isoleucine, an amino acid with highly similar properties. This change occurs in the first base pair of coding exon 14. This amino acid position is well conserved in available vertebrate species. In addition, the in silico prediction for this alteration is inconclusive. Since supporting evidence is limited at this time, the clinical significance of this alteration remains unclear.